The following is an entry in ClinVar:

NM_019109.5(ALG1):c.208+13_208+14delinsAGGTCT

Genes: ALG1 (ALG1 chitobiosyldiphosphodolichol beta-mannosyltransferase; plus strand), LOC130058384 (ATAC-STARR-seq lymphoblastoid active region 10349; plus strand). Cytogenetic location: 16p13.3.
Variant type: Indel.
Coding change: c.208+13_208+14delinsAGGTCT on transcript NM_019109.5 (MANE Select); bases 13 to 14 of the intron after coding-DNA position 208, GG replaced by AGGTCT.
Molecular consequence: intron variant.
Genome position (GRCh38, 1-based): chr16:5,072,070-5,072,071, GG replaced by AGGTCT. VCF-style: chr16-5072070-GG-AGGTCT. GRCh37 (hg19) VCF-style: chr16-5122071-GG-AGGTCT.
Other names: c.208+13_208+14delGGinsAGGTCT (NM_019109.4).
Identifiers: ClinVar variation 515090 (VCV000515090.1), dbSNP rs1555451022, ClinGen allele CA658798536.

ClinVar aggregate classification (germline): Likely benign (1 of 4 stars; one submission).

Submission:

GeneDx
Classification: Likely benign. Last evaluated: 2018-01-17. Review status: criteria provided, single submitter. Criteria: GeneDx Variant Classification (06012015). Collection method: clinical testing. Allele origin: germline. Affected: yes.
Comment: This variant is considered likely benign or benign based on one or more of the following criteria: it is a conservative change, it occurs at a poorly conserved position in the protein, it is predicted to be benign by multiple in silico algorithms, and/or has population frequency not consistent with disease.